The following is an entry in ClinVar:

ClinVar aggregate classification (germline): Pathogenic. Review status: criteria provided, multiple submitters, no conflicts (2 of 4 stars). 5 submissions from 5 submitters: Pathogenic (4). 1 of the submissions does not count toward it. Last evaluated 2026-06-15.

Conditions:
SRD5A2-related disorder. Also called: SRD5A2-related condition.
3-Oxo-5 alpha-steroid delta 4-dehydrogenase deficiency (PPSH). Also called: 46,XY disorder of sex development due to 5-alpha-reductase 2 deficiency; PSEUDOVAGINAL PERINEOSCROTAL HYPOSPADIAS; FAMILIAL INCOMPLETE MALE PSEUDOHERMAPHRODITISM, TYPE 2; MALE PSEUDOHERMAPHRODITISM DUE TO 5-ALPHA-REDUCTASE DEFICIENCY. Identifiers: Orphanet 753, MedGen C0268297, MONDO:0009923, OMIM 264600. Disease mechanism: loss of function.

Allele frequency attached by ClinVar (database versions not stated): gnomAD 0.00003; TOPMed 0.00003; 1000 Genomes Project 30x 0.00016; 1000 Genomes Project 0.00020.
gnomAD v4.1: 30 of 1,589,854 alleles (0.0019%); highest among the groups gnomAD compares: African/African-American, 0.004%; no homozygotes.

Submissions (5):

PreventionGenetics, part of Exact Sciences
Classification: Pathogenic for SRD5A2-related condition. Last evaluated: 2026-06-15. Review status: criteria provided, single submitter. Criteria: ACMG Guidelines, 2015. Collection method: clinical testing. Allele origin: germline.
Comment: The SRD5A2 c.736C>T variant is predicted to result in the amino acid substitution p.Arg246Trp. This variant has been reported in the homozygous and compound heterozygous states in multiple individuals with steroid 5-alpha-reductase deficiency (see for examples, Fernández-Cancio et al. 2004. PubMed ID: 15528927; Maimoun et al. 2010. PubMed ID: 20850730; Abacı et al. 2018. PubMed ID: 30132287). This variant is reported in 0.0011% of alleles in individuals of European (non-Finnish) descent in gnomAD. An in vitro experimental study suggests this variant reduces enzyme activity to about 5% of control (Wigley et al. 1994. PubMed ID: 8110760). An alternate missense substitution affecting the same amino acid (p.Arg246Gln) has been reported in multiple individuals with steroid 5-alpha-reductase deficiency (Ko et al. 2010. PubMed ID: 20190539; Bertelloni et al. 2016. PubMed ID: 27070133; Jia et al. 2018. PubMed ID: 29643321). The c.736C>T (p.Arg246Trp) variant is interpreted as pathogenic.

Fulgent Genetics
Classification: Pathogenic for 3-Oxo-5 alpha-steroid delta 4-dehydrogenase deficiency. Last evaluated: 2024-04-03. Review status: criteria provided, single submitter. Criteria: ACMG Guidelines, 2015. Collection method: clinical testing. Allele origin: germline.

Labcorp Genetics (formerly Invitae), Labcorp
Classification: Pathogenic for 3-Oxo-5 alpha-steroid delta 4-dehydrogenase deficiency. Last evaluated: 2023-11-01. Review status: criteria provided, single submitter. Criteria: Invitae Variant Classification Sherloc (09022015). Collection method: clinical testing. Allele origin: germline.
Comment: This sequence change replaces arginine, which is basic and polar, with tryptophan, which is neutral and slightly polar, at codon 246 of the SRD5A2 protein (p.Arg246Trp). The frequency data for this variant in the population databases is considered unreliable, as metrics indicate poor data quality at this position in the gnomAD database. This missense change has been observed in individual(s) with steroid-5 alpha-reductase deficiency/46,XY disorder of sex development (PMID: 835597, 1406794, 1522235, 15528927, 27070133). It has also been observed to segregate with disease in related individuals. ClinVar contains an entry for this variant (Variation ID: 3337). Advanced modeling of protein sequence and biophysical properties (such as structural, functional, and spatial information, amino acid conservation, physicochemical variation, residue mobility, and thermodynamic stability) performed at Invitae indicates that this missense variant is expected to disrupt SRD5A2 protein function with a positive predictive value of 80%. Experimental studies have shown that this missense change affects SRD5A2 function (PMID: 1406794, 8110760). This variant disrupts the p.Arg246 amino acid residue in SRD5A2. Other variant(s) that disrupt this residue have been determined to be pathogenic (PMID: 1522235, 19492581, 20190539, 20493473, 26446026). This suggests that this residue is clinically significant, and that variants that disrupt this residue are likely to be disease-causing. For these reasons, this variant has been classified as Pathogenic.

GeneDx
Classification: Pathogenic. Last evaluated: 2020-07-15. Review status: criteria provided, single submitter. Criteria: GeneDx Variant Classification Process June 2021. Collection method: clinical testing. Allele origin: germline. Affected: yes.
Comment: Published functional studies demonstrate decreased enzymatic activity (Thigpen et al., 1992); Not observed in large population cohorts (Lek et al., 2016); Missense variants in this gene are often considered pathogenic (Stenson et al., 2014); In silico analysis supports that this missense variant has a deleterious effect on protein structure/function; This variant is associated with the following publications: (PMID: 15528927, 21631525, 1406794, 15770495, 8626825, 20850730, 1522235)

OMIM
Classification: Pathogenic for PSEUDOVAGINAL PERINEOSCROTAL HYPOSPADIAS. Last evaluated: 1996-05-01. Review status: no assertion criteria provided. Collection method: literature only. Allele origin: germline. Not counted in ClinVar's aggregate classification.

Literature cited by the submitters: PubMed 835597 (cited by Labcorp Genetics (formerly Invitae), Labcorp); PubMed 1406794 (cited by Labcorp Genetics (formerly Invitae), Labcorp and OMIM); PubMed 1522235 (cited by Labcorp Genetics (formerly Invitae), Labcorp); PubMed 15528927 (cited by Labcorp Genetics (formerly Invitae), Labcorp); PubMed 27070133 (cited by Labcorp Genetics (formerly Invitae), Labcorp); PubMed 8110760 (cited by Labcorp Genetics (formerly Invitae), Labcorp); PubMed 19492581 (cited by Labcorp Genetics (formerly Invitae), Labcorp); PubMed 20190539 (cited by Labcorp Genetics (formerly Invitae), Labcorp); PubMed 20493473 (cited by Labcorp Genetics (formerly Invitae), Labcorp); PubMed 26446026 (cited by Labcorp Genetics (formerly Invitae), Labcorp); PubMed 431680 (cited by OMIM); Imperato-McGinley, J., Gautier, T. Inherited 5-alpha-reductase deficiency in man. Trends Genet. 2: 130-133, 1986. (cited by OMIM); PubMed 8626825 (cited by OMIM).

NM_000348.4(SRD5A2):c.736C>T (p.Arg246Trp)

Gene: SRD5A2 (steroid 5 alpha-reductase 2; minus strand). Cytogenetic location: 2p23.1.
Variant type: single nucleotide variant.
Coding change: c.736C>T on transcript NM_000348.4 (MANE Select); coding-DNA position 736, C replaced by T.
Protein change: p.Arg246Trp; replaces arginine 246 with tryptophan.
Molecular consequence: missense variant.
Genome position (GRCh38, 1-based): chr2:31,526,225, G>A on the plus strand (C>T on the coding strand, the complement: SRD5A2 is on the minus strand). VCF-style: chr2-31526225-G-A. GRCh37 (hg19) VCF-style: chr2-31751295-G-A.
Other names: short protein forms R246W.
Identifiers: ClinVar variation 3337 (VCV000003337.15), dbSNP rs121434244, ClinGen allele CA340064.